The following is an entry in ClinVar:

ClinVar aggregate classification (germline): Likely benign (0 of 4 stars; one submission).

Conditions:
SCRIB-related disorder. Also called: SCRIB-related condition.

gnomAD v4.1: 6 of 1,602,018 alleles (0.00037%); highest among the groups gnomAD compares: Admixed American, 0.0034%; no homozygotes.

Submission:

PreventionGenetics, part of Exact Sciences
Classification: Likely benign for SCRIB-related condition. Last evaluated: 2019-04-15. Review status: no assertion criteria provided. Collection method: clinical testing. Allele origin: germline.
Comment: This variant is classified as likely benign based on ACMG/AMP sequence variant interpretation guidelines (Richards et al. 2015 PMID: 25741868, with internal and published modifications).

NM_182706.5(SCRIB):c.2179-10C>T

Gene: SCRIB (scribble planar cell polarity protein; minus strand). Cytogenetic location: 8q24.3.
Variant type: single nucleotide variant.
Coding change: c.2179-10C>T on transcript NM_182706.5 (MANE Select); 10 bases into the intron before coding-DNA position 2179, C replaced by T.
Molecular consequence: intron variant.
Genome position (GRCh38, 1-based): chr8:143,807,023, G>A on the plus strand (C>T on the coding strand, the complement: SCRIB is on the minus strand). VCF-style: chr8-143807023-G-A. GRCh37 (hg19) VCF-style: chr8-144889193-G-A.
Other names: c.2179-10C>T (NM_015356.5).
Identifiers: ClinVar variation 3353141 (VCV003353141.1).